The following is an entry in ClinVar:

ClinVar aggregate classification (germline): Uncertain significance. Review status: criteria provided, multiple submitters, no conflicts (2 of 4 stars). 5 submissions from 5 submitters: Uncertain significance (5). Last evaluated 2024-10-22.

Conditions:
Joubert syndrome. Also called: Familial aplasia of the vermis; JOUBERT-BOLTSHAUSER SYNDROME. Identifiers: Orphanet 475, MedGen C5979921, MONDO:0018772.
Meckel-Gruber syndrome. Also called: Dysencephalia splachnocystica; DYSENCEPHALIA SPLANCHNOCYSTICA; GRUBER SYNDROME. Identifiers: Orphanet 564, MedGen C0265215, MONDO:0018921.
TMEM67-related disorder. Also called: TMEM67-related condition; TMEM67-related disorders. Identifiers: MedGen CN239423.
Bardet-Biedl syndrome 14 (BBS14). Identifiers: Orphanet 110, MedGen C2673874, MONDO:0014442, OMIM 615991.
COACH syndrome 1. Identifiers: Orphanet 1454, MedGen C5435651, MONDO:0800103, OMIM 216360, MONDO:0008996.
Joubert syndrome 6 (JBTS6). Identifiers: Orphanet 475, MedGen C1853153, MONDO:0012539, OMIM 610688.
Meckel syndrome, type 3 (MKS3). Also called: MECKEL-GRUBER SYNDROME, TYPE 3. Identifiers: Orphanet 564, MedGen C1846357, MONDO:0011821, OMIM 607361.
Nephronophthisis 11 (NPHP11). Identifiers: Orphanet 84081, MedGen C3150796, MONDO:0013302, OMIM 613550.
RHYNS syndrome. Also called: RETINITIS PIGMENTOSA SYNDROME; RETINITIS PIGMENTOSA, HYPOPITUITARISM, NEPHRONOPHTHISIS, AND MILD SKELETAL DYSPLASIA. Identifiers: Orphanet 140976, MedGen C1865794, MONDO:0011202, OMIM 602152.

Allele frequency attached by ClinVar (database versions not stated): gnomAD 0.00001; gnomAD exomes 0.00001 and 0.00002; ExAC 0.00003; 1000 Genomes Project 30x 0.00031; 1000 Genomes Project 0.00040.
gnomAD v4.1: 24 of 1,599,118 alleles (0.0015%); highest among the groups gnomAD compares: Middle Eastern, 0.017%; no homozygotes.

Submissions (5):

PreventionGenetics, part of Exact Sciences
Classification: Uncertain significance for TMEM67-related condition. Last evaluated: 2024-10-22. Review status: criteria provided, single submitter. Criteria: ACMG Guidelines, 2015. Collection method: clinical testing. Allele origin: germline.
Comment: The TMEM67 c.2789T>C variant is predicted to result in the amino acid substitution p.Val930Ala. To our knowledge, this variant has not been reported in the literature. This variant is reported in 0.013% of alleles in individuals of African descent in gnomAD. At this time, the clinical significance of this variant is uncertain due to the absence of conclusive functional and genetic evidence.

Fulgent Genetics
Classification: Uncertain significance for COACH syndrome 1; RHYNS syndrome; Meckel syndrome, type 3; Joubert syndrome 6; Nephronophthisis 11; Bardet-Biedl syndrome 14. Last evaluated: 2024-02-08. Review status: criteria provided, single submitter. Criteria: ACMG Guidelines, 2015. Collection method: clinical testing. Allele origin: germline.

Labcorp Genetics (formerly Invitae), Labcorp
Classification: Uncertain significance for Joubert syndrome; Meckel-Gruber syndrome. Last evaluated: 2022-03-11. Review status: criteria provided, single submitter. Criteria: Invitae Variant Classification Sherloc (09022015). Collection method: clinical testing. Allele origin: germline.
Comment: This sequence change replaces valine, which is neutral and non-polar, with alanine, which is neutral and non-polar, at codon 930 of the TMEM67 protein (p.Val930Ala). This variant is present in population databases (rs199549673, gnomAD 0.01%). This variant has not been reported in the literature in individuals affected with TMEM67-related conditions. ClinVar contains an entry for this variant (Variation ID: 810303). Advanced modeling of protein sequence and biophysical properties (such as structural, functional, and spatial information, amino acid conservation, physicochemical variation, residue mobility, and thermodynamic stability) performed at Invitae indicates that this missense variant is expected to disrupt TMEM67 protein function. In summary, the available evidence is currently insufficient to determine the role of this variant in disease. Therefore, it has been classified as a Variant of Uncertain Significance.

Department of Pathology and Laboratory Medicine, Sinai Health System
Classification: Uncertain significance for COACH syndrome 1; RHYNS syndrome; Meckel syndrome, type 3; Joubert syndrome 6; Nephronophthisis 11; Bardet-Biedl syndrome 14. Last evaluated: 2020-05-31. Review status: criteria provided, single submitter. Criteria: ACMG Guidelines, 2015. Collection method: research. Allele origin: germline.

CeGaT Center for Human Genetics Tuebingen
Classification: Uncertain significance. Last evaluated: 2017-05-01. Review status: criteria provided, single submitter. Criteria: CeGaT Center For Human Genetics Tuebingen Variant Classification Criteria Version 2. Collection method: clinical testing. Allele origin: germline. Affected: yes. Observed: 1 variant allele.

NM_153704.6(TMEM67):c.2789T>C (p.Val930Ala)

Gene: TMEM67 (transmembrane protein 67; plus strand). Cytogenetic location: 8q22.1.
Variant type: single nucleotide variant.
Coding change: c.2789T>C on transcript NM_153704.6 (MANE Select); coding-DNA position 2789, T replaced by C.
Protein change: p.Val930Ala; replaces valine 930 with alanine.
Molecular consequence: missense variant. On other transcripts: non-coding transcript variant (1).
Genome position (GRCh38, 1-based): chr8:93,815,329, T>C. VCF-style: chr8-93815329-T-C. GRCh37 (hg19) VCF-style: chr8-94827557-T-C.
Other names: c.2789T>C (NM_153704.5); c.2546T>C, p.Val849Ala (NM_001142301.1); short protein forms V930A, V849A.
Identifiers: ClinVar variation 810303 (VCV000810303.47), dbSNP rs199549673, ClinGen allele CA4808404.